The following is an entry in ClinVar:

NM_002253.4(KDR):c.1151C>T (p.Thr384Met)

Gene: KDR (kinase insert domain receptor; minus strand). Cytogenetic location: 4q12.
Variant type: single nucleotide variant.
Coding change: c.1151C>T on transcript NM_002253.4 (MANE Select); coding-DNA position 1151, C replaced by T.
Protein change: p.Thr384Met; replaces threonine 384 with methionine.
Molecular consequence: missense variant.
Genome position (GRCh38, 1-based): chr4:55,110,507, G>A on the plus strand (C>T on the coding strand, the complement: KDR is on the minus strand). VCF-style: chr4-55110507-G-A. GRCh37 (hg19) VCF-style: chr4-55976674-G-A.
Other names: c.1151C>T (NM_002253.2); short protein forms T384M.
Identifiers: ClinVar variation 134618 (VCV000134618.8), dbSNP rs201708587, ClinGen allele CA160341.

ClinVar aggregate classification (germline): Conflicting classifications of pathogenicity. Review status: criteria provided, conflicting classifications (1 of 4 stars). 3 submissions from 3 submitters: Uncertain significance (1); Likely benign (1). 1 of the submissions does not count toward it. Last evaluated 2025-10-17.

Allele frequency attached by ClinVar (database versions not stated): ESP Exome Variant Server 0.00008; ExAC 0.00007; TOPMed 0.00004; gnomAD 0.00003; gnomAD exomes 0.00007; 1000 Genomes Project 0.00040; 1000 Genomes Project 30x 0.00047.
gnomAD v4.1: 78 of 1,613,778 alleles (0.0048%); highest among the groups gnomAD compares: Admixed American, 0.02%; no homozygotes.

Submissions (3):

Ambry Genetics
Classification: Uncertain significance. Last evaluated: 2025-10-17. Review status: criteria provided, single submitter. Criteria: Ambry Variant Classification Scheme 2023. Collection method: clinical testing. Allele origin: germline.

Labcorp Genetics (formerly Invitae), Labcorp
Classification: Likely benign. Last evaluated: 2019-12-07. Review status: criteria provided, single submitter. Criteria: Invitae Variant Classification Sherloc (09022015). Collection method: clinical testing. Allele origin: germline.

ITMI
No classification provided. Condition: AllHighlyPenetrant. Last evaluated: 2013-09-19. Review status: no classification provided. Collection method: reference population. Allele origin: germline. Not counted in ClinVar's aggregate classification.
Comment: Please see associated publication for description of ethnicities

Literature cited by the submitters: PubMed 24728327 (cited by ITMI).